The following is an entry in ClinVar:

NM_003611.3(OFD1):c.730A>G (p.Met244Val)

Gene: OFD1 (OFD1 centriole and centriolar satellite protein; plus strand). Cytogenetic location: Xp22.2.
Variant type: single nucleotide variant.
Coding change: c.730A>G on transcript NM_003611.3 (MANE Select); coding-DNA position 730, A replaced by G.
Protein change: p.Met244Val; replaces methionine 244 with valine.
Molecular consequence: missense variant.
Genome position (GRCh38, 1-based): chrX:13,746,855, A>G. VCF-style: chrX-13746855-A-G. GRCh37 (hg19) VCF-style: chrX-13764974-A-G.
Other names: c.730A>G, p.Met244Val (NM_001330209.2); c.310A>G, p.Met104Val (NM_001330210.2); c.730A>G (NM_003611.2); short protein forms M244V, M104V.
Identifiers: ClinVar variation 593063 (VCV000593063.7), dbSNP rs770614769, ClinGen allele CA10351676.

ClinVar aggregate classification (germline): Conflicting classifications of pathogenicity. Review status: criteria provided, conflicting classifications (1 of 4 stars). 3 submissions from 3 submitters: Uncertain significance (2); Likely benign (1). Last evaluated 2025-05-15.

Conditions:
Orofaciodigital syndrome I (OFD1). Also called: Oral-Facial-Digital Syndrome Type I; OFDS I; Papillon-Leage and Psaume Syndrome. Identifiers: Orphanet 2750, MedGen C1510460, MONDO:0010702, OMIM 311200.
Joubert syndrome 10 (JBTS10). Identifiers: Orphanet 2754, MedGen C2749019, MONDO:0010431, OMIM 300804.
Retinitis pigmentosa 23 (RP23). Identifiers: Orphanet 791, MedGen C1419610, MONDO:0010320, OMIM 300424.
Simpson-Golabi-Behmel syndrome type 2. Identifiers: Orphanet 79022, MedGen C1846175, MONDO:0010265, OMIM 300209.
Cerebral arteriopathy, autosomal dominant, with subcortical infarcts and leukoencephalopathy, type 1 (CADASIL1). Also called: DEMENTIA, HEREDITARY MULTIINFARCT TYPE; CADASIL 1; CASIL; Cerebral arteriopathy with subcortical infarcts and leukoencephalopathy 1. Identifiers: Orphanet 136, MedGen C4551768, MONDO:0000914, OMIM 125310.

Allele frequency attached by ClinVar (database versions not stated): ExAC 0.00001; gnomAD exomes 0.00001 and 0.00002.

Submissions (3):

Johns Hopkins Genomics, Johns Hopkins University
Classification: Likely benign for Cerebral arteriopathy, autosomal dominant, with subcortical infarcts and leukoencephalopathy, type 1. Last evaluated: 2025-05-15. Review status: criteria provided, single submitter. Criteria: ACMG Guidelines, 2015. Collection method: clinical testing. Allele origin: germline.
Comment: This variant is classified as likely benign (PM2, BS2_supporting, BP4).

Fulgent Genetics
Classification: Uncertain significance for Simpson-Golabi-Behmel syndrome type 2; Retinitis pigmentosa 23; Joubert syndrome 10; Orofaciodigital syndrome I. Last evaluated: 2022-05-24. Review status: criteria provided, single submitter. Criteria: ACMG Guidelines, 2015. Collection method: clinical testing. Allele origin: unknown.

Eurofins Ntd Llc (ga)
Classification: Uncertain significance. Last evaluated: 2017-07-19. Review status: criteria provided, single submitter. Criteria: EGL Classification Definitions 2015. Collection method: clinical testing. Allele origin: germline. Observed: 1 variant allele, 1 heterozygote.

Literature cited by the submitters: PubMed 39940934 (cited by Johns Hopkins Genomics, Johns Hopkins University).